The following is an entry in ClinVar:

ClinVar aggregate classification (germline): Pathogenic (1 of 4 stars; one submission).

Conditions:
Marfan syndrome (MFS). Also called: MARFAN SYNDROME, TYPE I; Marfan syndrome type 1; Marfan's syndrome; Marfan syndrome, classic; FBN1-Related Marfan Syndrome. Identifiers: Orphanet 284963, Orphanet 558, MedGen C0024796, MONDO:0007947, OMIM 154700.
Familial thoracic aortic aneurysm and aortic dissection (TAAD). Also called: Thoracic aortic aneurysms and dissections. Identifiers: Orphanet 91387, MedGen C4707243, MONDO:0019625.

Submission:

Labcorp Genetics (formerly Invitae), Labcorp
Classification: Pathogenic for Marfan syndrome; Familial thoracic aortic aneurysm and aortic dissection. Last evaluated: 2023-10-04. Review status: criteria provided, single submitter. Criteria: Invitae Variant Classification Sherloc (09022015). Collection method: clinical testing. Allele origin: germline.
Comment: This sequence change creates a premature translational stop signal (p.Lys1177*) in the FBN1 gene. It is expected to result in an absent or disrupted protein product. Loss-of-function variants in FBN1 are known to be pathogenic (PMID: 17657824, 19293843). This variant is not present in population databases (gnomAD no frequency). This variant has not been reported in the literature in individuals affected with FBN1-related conditions. For these reasons, this variant has been classified as Pathogenic.

Literature cited by the submitters: PubMed 17657824; PubMed 19293843.

NM_000138.5(FBN1):c.3529A>T (p.Lys1177Ter)

Gene: FBN1 (fibrillin 1; minus strand). Cytogenetic location: 15q21.1.
Variant type: single nucleotide variant.
Coding change: c.3529A>T on transcript NM_000138.5 (MANE Select); coding-DNA position 3529, A replaced by T.
Protein change: p.Lys1177Ter; replaces lysine 1177 with a stop codon.
Molecular consequence: nonsense.
Genome position (GRCh38, 1-based): chr15:48,487,135, T>A on the plus strand (A>T on the coding strand, the complement: FBN1 is on the minus strand). VCF-style: chr15-48487135-T-A. GRCh37 (hg19) VCF-style: chr15-48779332-T-A.
Other names: c.3529A>T, p.Lys1177Ter (NM_001406716.1); short protein forms K1177*.
Identifiers: ClinVar variation 2952477 (VCV002952477.3), dbSNP rs2505549244, ClinGen allele CA392325106.